The following is an entry in ClinVar:

NM_015559.3(SETBP1):c.1828G>A (p.Val610Ile)

Gene: SETBP1 (SET binding protein 1; plus strand). Cytogenetic location: 18q12.3.
Variant type: single nucleotide variant.
Coding change: c.1828G>A on transcript NM_015559.3 (MANE Select); coding-DNA position 1828, G replaced by A.
Protein change: p.Val610Ile; replaces valine 610 with isoleucine.
Molecular consequence: missense variant.
Genome position (GRCh38, 1-based): chr18:44,951,168, G>A. VCF-style: chr18-44951168-G-A. GRCh37 (hg19) VCF-style: chr18-42531133-G-A.
Other names: c.1828G>A, p.Val610Ile (LRG_1150t1); short protein forms V610I.
Identifiers: ClinVar variation 1636970 (VCV001636970.11), dbSNP rs200927313, ClinGen allele CA8945678.

ClinVar aggregate classification (germline): Likely benign. Review status: criteria provided, multiple submitters, no conflicts (2 of 4 stars). 3 submissions from 3 submitters: Likely benign (2). 1 of the submissions does not count toward it. Last evaluated 2025-09-22.

Conditions:
SETBP1-related disorder. Also called: SETBP1-related condition; SETBP1-related disorders.
Inborn genetic diseases. Identifiers: MedGen C0950123, MeSH D030342.

Allele frequency attached by ClinVar (database versions not stated): gnomAD 0.00006 and 0.00007; ESP Exome Variant Server 0.00008; gnomAD exomes 0.00010; TOPMed 0.00011; ExAC 0.00012; 1000 Genomes Project 30x 0.00031; 1000 Genomes Project 0.00040.
gnomAD v4.1: 78 of 1,614,064 alleles (0.0048%); highest among the groups gnomAD compares: East Asian, 0.082%; no homozygotes.

Submissions (3):

Labcorp Genetics (formerly Invitae), Labcorp
Classification: Likely benign. Last evaluated: 2025-09-22. Review status: criteria provided, single submitter. Criteria: Invitae Variant Classification Sherloc (09022015). Collection method: clinical testing. Allele origin: germline.

Ambry Genetics
Classification: Likely benign for Inborn genetic diseases. Last evaluated: 2022-05-05. Review status: criteria provided, single submitter. Criteria: Ambry Variant Classification Scheme 2023. Collection method: clinical testing. Allele origin: germline.

PreventionGenetics, part of Exact Sciences
Classification: Likely benign for SETBP1-related condition. Last evaluated: 2023-09-11. Review status: no assertion criteria provided. Collection method: clinical testing. Allele origin: germline. Not counted in ClinVar's aggregate classification.
Comment: This variant is classified as likely benign based on ACMG/AMP sequence variant interpretation guidelines (Richards et al. 2015 PMID: 25741868, with internal and published modifications).